The following is an entry in ClinVar:

ClinVar aggregate classification (germline): Uncertain significance (1 of 4 stars; one submission).

Conditions:
Purine-nucleoside phosphorylase deficiency. Also called: Immunodeficiency due to purine nucleoside phosphorylase deficiency; NUCLEOSIDE PHOSPHORYLASE DEFICIENCY. Identifiers: Orphanet 760, MedGen C0268125, MONDO:0013171, OMIM 613179.

Submission:

Labcorp Genetics (formerly Invitae), Labcorp
Classification: Uncertain significance for Purine-nucleoside phosphorylase deficiency. Last evaluated: 2023-02-08. Review status: criteria provided, single submitter. Criteria: Invitae Variant Classification Sherloc (09022015). Collection method: clinical testing. Allele origin: germline.
Comment: This sequence change replaces methionine, which is neutral and non-polar, with threonine, which is neutral and polar, at codon 81 of the PNP protein (p.Met81Thr). This variant is not present in population databases (gnomAD no frequency). This variant has not been reported in the literature in individuals affected with PNP-related conditions. ClinVar contains an entry for this variant (Variation ID: 1721615). Advanced modeling of protein sequence and biophysical properties (such as structural, functional, and spatial information, amino acid conservation, physicochemical variation, residue mobility, and thermodynamic stability) performed at Invitae indicates that this missense variant is expected to disrupt PNP protein function. In summary, the available evidence is currently insufficient to determine the role of this variant in disease. Therefore, it has been classified as a Variant of Uncertain Significance.

NM_000270.4(PNP):c.242T>C (p.Met81Thr)

Gene: PNP (purine nucleoside phosphorylase; plus strand). Cytogenetic location: 14q11.2.
Variant type: single nucleotide variant.
Coding change: c.242T>C on transcript NM_000270.4 (MANE Select); coding-DNA position 242, T replaced by C.
Protein change: p.Met81Thr; replaces methionine 81 with threonine.
Molecular consequence: missense variant.
Genome position (GRCh38, 1-based): chr14:20,474,532, T>C. VCF-style: chr14-20474532-T-C. GRCh37 (hg19) VCF-style: chr14-20942691-T-C.
Other names: short protein forms M81T.
Identifiers: ClinVar variation 1721615 (VCV001721615.5), dbSNP rs2501833522, ClinGen allele CA389144959.